The following is an entry in ClinVar:

ClinVar aggregate classification (germline): Pathogenic. Review status: criteria provided, multiple submitters, no conflicts (2 of 4 stars). 2 submissions from 2 submitters: Pathogenic (2). Last evaluated 2023-09-07.

Conditions:
Familial cancer of breast. Also called: hereditary breast carcinoma; Hereditary breast cancer; BREAST CANCER, FAMILIAL. Identifiers: Orphanet 227535, MedGen C0346153, MONDO:0016419, OMIM 114480. Disease mechanism: loss of function.

Submissions (2):

Myriad Genetics, Inc.
Classification: Pathogenic for Familial cancer of breast. Last evaluated: 2023-09-07. Review status: criteria provided, single submitter. Criteria: Myriad Autosomal Dominant, Autosomal Recessive and X-Linked Classification Criteria (2023). Collection method: clinical testing. Allele origin: unknown.
Comment: This variant is considered pathogenic. This variant creates a frameshift predicted to result in premature protein truncation.

Labcorp Genetics (formerly Invitae), Labcorp
Classification: Pathogenic for Familial cancer of breast. Last evaluated: 2022-11-22. Review status: criteria provided, single submitter. Criteria: Invitae Variant Classification Sherloc (09022015). Collection method: clinical testing. Allele origin: germline.
Comment: This variant is not present in population databases (gnomAD no frequency). This sequence change creates a premature translational stop signal (p.Asp360Leufs*14) in the PALB2 gene. It is expected to result in an absent or disrupted protein product. Loss-of-function variants in PALB2 are known to be pathogenic (PMID: 17200668, 17200671, 17200672, 24136930, 25099575). This premature translational stop signal has been observed in individual(s) with breast cancer (PMID: 29470806). For these reasons, this variant has been classified as Pathogenic. ClinVar contains an entry for this variant (Variation ID: 1409242).

Literature cited by the submitters: PubMed 17200668 (cited by Labcorp Genetics (formerly Invitae), Labcorp); PubMed 17200671 (cited by Labcorp Genetics (formerly Invitae), Labcorp); PubMed 17200672 (cited by Labcorp Genetics (formerly Invitae), Labcorp); PubMed 24136930 (cited by Labcorp Genetics (formerly Invitae), Labcorp); PubMed 25099575 (cited by Labcorp Genetics (formerly Invitae), Labcorp); PubMed 29470806 (cited by Labcorp Genetics (formerly Invitae), Labcorp).

NM_024675.4(PALB2):c.1078_1084del (p.Asp360fs)

Gene: PALB2 (partner and localizer of BRCA2; minus strand). Cytogenetic location: 16p12.2.
Variant type: Deletion.
Coding change: c.1078_1084del on transcript NM_024675.4 (MANE Select); coding-DNA positions 1078 to 1084, 7 bases deleted (GACACTC; older notation c.1078_1084delGACACTC).
Protein change: p.Asp360fs; shifts the reading frame from aspartic acid 360.
Molecular consequence: frameshift variant.
Genome position (GRCh38, 1-based): chr16:23,635,462-23,635,468, GAGTGTC deleted on the plus strand (GACACTC on the coding strand, the reverse complement: PALB2 is on the minus strand). VCF-style (leftmost placement, unchanged base first): chr16-23635461-AGAGTGTC-A. GRCh37 (hg19) VCF-style: chr16-23646782-AGAGTGTC-A.
Other names: short protein forms D360fs.
Identifiers: ClinVar variation 1409242 (VCV001409242.7), dbSNP rs2142426385, ClinGen allele CA2573152188.